The following is an entry in ClinVar:

ClinVar aggregate classification (germline): Likely benign. Review status: criteria provided, multiple submitters, no conflicts (2 of 4 stars). 2 submissions from 2 submitters: Likely benign (2). Last evaluated 2025-12-13.

Conditions:
MYO18B-related disorder. Also called: MYO18B-related condition.

Allele frequency attached by ClinVar (database versions not stated): gnomAD exomes 0.00004; ExAC 0.00005; TOPMed 0.00005; gnomAD 0.00007; ESP Exome Variant Server 0.00008; 1000 Genomes Project 30x 0.00016; 1000 Genomes Project 0.00020.
gnomAD v4.1: 66 of 1,613,910 alleles (0.0041%); highest among the groups gnomAD compares: Non-Finnish European, 0.0049%; no homozygotes.

Submissions (2):

PreventionGenetics, part of Exact Sciences
Classification: Likely benign for MYO18B-related condition. Last evaluated: 2025-12-13. Review status: criteria provided, single submitter. Criteria: ACMG Guidelines, 2015. Collection method: clinical testing. Allele origin: germline.
Comment: This variant is classified as likely benign based on ACMG/AMP sequence variant interpretation guidelines (Richards et al. 2015 PMID: 25741868, with internal and published modifications).

Labcorp Genetics (formerly Invitae), Labcorp
Classification: Likely benign. Last evaluated: 2025-08-18. Review status: criteria provided, single submitter. Criteria: Invitae Variant Classification Sherloc (09022015). Collection method: clinical testing. Allele origin: germline.

NM_032608.7(MYO18B):c.7182G>A (p.Ala2394=)

Gene: MYO18B (myosin XVIIIB; plus strand). Cytogenetic location: 22q12.1.
Variant type: single nucleotide variant.
Coding change: c.7182G>A on transcript NM_032608.7 (MANE Select); coding-DNA position 7182, G replaced by A.
Protein change: p.Ala2394=; no amino-acid change (alanine 2394 retained).
Molecular consequence: synonymous variant.
Genome position (GRCh38, 1-based): chr22:26,027,156, G>A. VCF-style: chr22-26027156-G-A. GRCh37 (hg19) VCF-style: chr22-26423122-G-A.
Other names: c.7185G>A, p.Ala2395= (NM_001318245.2); c.7182G>A (NM_032608.6).
Identifiers: ClinVar variation 1591706 (VCV001591706.9), dbSNP rs370193459, ClinGen allele CA10161717.